The following is an entry in ClinVar:

NM_000211.5(ITGB2):c.863T>C (p.Leu288Pro)

Gene: ITGB2 (integrin subunit beta 2; minus strand). Cytogenetic location: 21q22.3.
Variant type: single nucleotide variant.
Coding change: c.863T>C on transcript NM_000211.5 (MANE Select); coding-DNA position 863, T replaced by C.
Protein change: p.Leu288Pro; replaces leucine 288 with proline.
Molecular consequence: missense variant.
Genome position (GRCh38, 1-based): chr21:44,900,354, A>G on the plus strand (T>C on the coding strand, the complement: ITGB2 is on the minus strand). VCF-style: chr21-44900354-A-G. GRCh37 (hg19) VCF-style: chr21-46320269-A-G.
Other names: c.863T>C, p.Leu288Pro (NM_001127491.3); c.656T>C, p.Leu219Pro (NM_001303238.2); short protein forms L219P, L288P.
Identifiers: ClinVar variation 4719437 (VCV004719437.1).

ClinVar aggregate classification (germline): Uncertain significance (1 of 4 stars; one submission).

Conditions:
Leukocyte adhesion deficiency 1 (LAD1). Also called: LEUKOCYTE ADHESION DEFICIENCY, TYPE I; LAD 1; Lymphocyte function-associated antigen 1 immunodeficiency; LFA 1 immunodeficiency. Identifiers: Orphanet 2968, Orphanet 99842, MedGen C0398738, MONDO:0007293, OMIM 116920.

Submission:

Labcorp Genetics (formerly Invitae), Labcorp
Classification: Uncertain significance for Leukocyte adhesion deficiency 1. Last evaluated: 2025-12-20. Review status: criteria provided, single submitter. Criteria: Invitae Variant Classification Sherloc (09022015). Collection method: clinical testing. Allele origin: germline.
Comment: This sequence change replaces leucine, which is neutral and non-polar, with proline, which is neutral and non-polar, at codon 288 of the ITGB2 protein (p.Leu288Pro). This variant is not present in population databases (gnomAD no frequency). This variant has not been reported in the literature in individuals affected with ITGB2-related conditions. Invitae Evidence Modeling of protein sequence and biophysical properties (such as structural, functional, and spatial information, amino acid conservation, physicochemical variation, residue mobility, and thermodynamic stability) has been performed for this missense variant. However, the output from this modeling did not meet the statistical confidence thresholds required to predict the impact of this variant on ITGB2 protein function. In summary, the available evidence is currently insufficient to determine the role of this variant in disease. Therefore, it has been classified as a Variant of Uncertain Significance.